The following is an entry in ClinVar:

NM_000059.4(BRCA2):c.5126A>G (p.Asp1709Gly)

Gene: BRCA2 (BRCA2 DNA repair associated; plus strand). Cytogenetic location: 13q13.1.
Variant type: single nucleotide variant.
Coding change: c.5126A>G on transcript NM_000059.4 (MANE Select); coding-DNA position 5126, A replaced by G.
Protein change: p.Asp1709Gly; replaces aspartic acid 1709 with glycine.
Molecular consequence: missense variant.
Genome position (GRCh38, 1-based): chr13:32,339,481, A>G. VCF-style: chr13-32339481-A-G. GRCh37 (hg19) VCF-style: chr13-32913618-A-G.
Other names: short protein forms D1709G.
Identifiers: ClinVar variation 523691 (VCV000523691.15), dbSNP rs786202836, ClinGen allele CA387784165.

ClinVar aggregate classification (germline): Conflicting classifications of pathogenicity. Review status: criteria provided, conflicting classifications (1 of 4 stars). 6 submissions from 6 submitters: Uncertain significance (4); Likely benign (2). Last evaluated 2024-02-05.

Conditions:
Hereditary cancer-predisposing syndrome. Also called: Neoplastic Syndromes, Hereditary; Tumor predisposition; Hereditary Cancer Syndrome; Hereditary neoplastic syndrome. Identifiers: Orphanet 140162, MedGen C0027672, MeSH D009386, MONDO:0015356.
Hereditary breast ovarian cancer syndrome. Also called: Hereditary breast and ovarian cancer; Breast and ovarian cancer; Hereditary breast and ovarian cancer syndrome (HBOC); BRCA1- and BRCA2-Associated Hereditary Breast and Ovarian Cancer; Hereditary breast and ovarian cancer syndrome; Hereditary breast and/or ovarian cancer syndrome. Identifiers: Orphanet 145, MedGen C0677776, MeSH D061325, MONDO:0003582. Disease mechanism: loss of function.
Breast-ovarian cancer, familial, susceptibility to, 2 (BROVCA2). Also called: BRCA2 Hereditary Breast and Ovarian Cancer. Identifiers: Orphanet 145, MedGen C2675520, MONDO:0012933, OMIM 612555. Disease mechanism: loss of function.

gnomAD v4.1: 1 of 1,583,484 alleles (0.000063%); highest among the groups gnomAD compares: Non-Finnish European, 0.000086%; no homozygotes.

Submissions (6):

All of Us Research Program, National Institutes of Health
Classification: Uncertain significance for Breast-ovarian cancer, familial, susceptibility to, 2. Last evaluated: 2024-02-05. Review status: criteria provided, single submitter. Criteria: ACMG Guidelines, 2015. Collection method: clinical testing. Allele origin: germline. Inheritance: Autosomal dominant inheritance. Observed: 1 variant allele, 1 heterozygote.
Comment: This missense variant replaces aspartic acid with glycine at codon 1709 of the BRCA2 protein. Computational prediction suggests that this variant may not impact protein structure and function (internally defined REVEL score threshold <= 0.5, PMID: 27666373). To our knowledge, functional studies have not been reported for this variant. This variant has been reported in 1 individual affected with breast cancer (PMID: 33471991; Leiden Open Variation Database DB-ID BRCA2_006092). This variant has not been identified in the general population by the Genome Aggregation Database (gnomAD). The available evidence is insufficient to determine the role of this variant in disease conclusively. Therefore, this variant is classified as a Variant of Uncertain Significance.

This study involves interpretation of variants in research participants for the purpose of population health screening. Participant phenotype was not available at the time of variant classification. Additional details can be found in publication PMID: 35346344, PMCID: PMC8962531

Color Diagnostics, LLC DBA Color Health
Classification: Uncertain significance for Hereditary cancer-predisposing syndrome. Last evaluated: 2023-06-14. Review status: criteria provided, single submitter. Criteria: ACMG Guidelines, 2015. Collection method: clinical testing. Allele origin: germline.
Comment: This missense variant replaces aspartic acid with glycine at codon 1709 of the BRCA2 protein. Computational prediction suggests that this variant may not impact protein structure and function (internally defined REVEL score threshold <= 0.5, PMID: 27666373). To our knowledge, functional studies have not been reported for this variant. This variant has been reported in 1 individual affected with breast cancer (PMID: 33471991; Leiden Open Variation Database DB-ID BRCA2_006092). This variant has not been identified in the general population by the Genome Aggregation Database (gnomAD). The available evidence is insufficient to determine the role of this variant in disease conclusively. Therefore, this variant is classified as a Variant of Uncertain Significance.

University of Washington Department of Laboratory Medicine, University of Washington
Classification: Likely benign for Hereditary cancer-predisposing syndrome. Last evaluated: 2023-03-23. Review status: criteria provided, single submitter. Criteria: Dines et al. (Genet Med. 2020). Collection method: curation. Allele origin: germline.
Comment: Missense variant in a coldspot region where missense variants are very unlikely to be pathogenic (PMID:31911673).

BRCA2 exon 11 coldspot. Reclassification based on statistical prior probability.

Labcorp Genetics (formerly Invitae), Labcorp
Classification: Uncertain significance for Hereditary breast ovarian cancer syndrome. Last evaluated: 2021-08-13. Review status: criteria provided, single submitter. Criteria: Invitae Variant Classification Sherloc (09022015). Collection method: clinical testing. Allele origin: germline.
Comment: This sequence change replaces aspartic acid with glycine at codon 1709 of the BRCA2 protein (p.Asp1709Gly). The aspartic acid residue is moderately conserved and there is a moderate physicochemical difference between aspartic acid and glycine. This variant is not present in population databases (ExAC no frequency). This missense change has been observed in individual(s) with clinical features of BRCA2-related conditions (Invitae). ClinVar contains an entry for this variant (Variation ID: 523691). Algorithms developed to predict the effect of missense changes on protein structure and function output the following: SIFT: "Tolerated"; PolyPhen-2: "Benign"; Align-GVGD: "Class C0". The glycine amino acid residue is found in multiple mammalian species, which suggests that this missense change does not adversely affect protein function. Algorithms developed to predict the effect of sequence changes on RNA splicing suggest that this variant may create or strengthen a splice site. In summary, the available evidence is currently insufficient to determine the role of this variant in disease. Therefore, it has been classified as a Variant of Uncertain Significance.

GeneDx
Classification: Uncertain significance. Last evaluated: 2020-04-01. Review status: criteria provided, single submitter. Criteria: GeneDx Variant Classification Process June 2021. Collection method: clinical testing. Allele origin: germline. Affected: yes.
Comment: Not observed in large population cohorts (Lek 2016); In silico analysis supports that this missense variant has a deleterious effect on protein structure/function; Has not been previously published as pathogenic or benign to our knowledge; Also known as c.5354A>G

Institute for Biomarker Research, Medical Diagnostic Laboratories, L.L.C.
Classification: Likely benign for Hereditary cancer-predisposing syndrome. Last evaluated: 2018-01-16. Review status: criteria provided, single submitter. Criteria: ACMG Guidelines, 2015. Collection method: clinical testing. Allele origin: germline.

Literature cited by the submitters: PubMed 33471991 (cited by All of Us Research Program, National Institutes of Health and Color Diagnostics, LLC DBA Color Health).